The following is an entry in ClinVar:

ClinVar aggregate classification (germline): Uncertain significance. Review status: criteria provided, multiple submitters, no conflicts (2 of 4 stars). 2 submissions from 2 submitters: Uncertain significance (2). Last evaluated 2026-03-04.

Conditions:
POLG-related disorder. Also called: POLG-related condition; POLG-Related Disorders; POLG-Related Spectrum Disorders. Identifiers: MedGen C4763519.

gnomAD v4.1: 1 of 1,614,228 alleles (0.000062%); highest among the groups gnomAD compares: Admixed American, 0.0017%; no homozygotes.

Submissions (2):

PreventionGenetics, part of Exact Sciences
Classification: Uncertain significance for POLG-related condition. Last evaluated: 2026-03-04. Review status: criteria provided, single submitter. Criteria: ACMG Guidelines, 2015. Collection method: clinical testing. Allele origin: germline.
Comment: The POLG c.3325T>G variant is predicted to result in the amino acid substitution p.Leu1109Val. To our knowledge, this variant has not been reported in the literature or in a large population database (gnomAD), indicating this variant is rare. At this time, the clinical significance of this variant is uncertain due to the absence of conclusive functional and genetic evidence.

GeneDx
Classification: Uncertain significance. Last evaluated: 2018-07-03. Review status: criteria provided, single submitter. Criteria: GeneDx Variant Classification (06012015). Collection method: clinical testing. Allele origin: germline. Affected: yes.
Comment: p.Leu1109Val (TTA>GTA): c.3325 T>G in exon 21 of the POLG gene (NM_002693.2). The L1109V variant has not been published as a mutation, nor has it been reported as a benign polymorphism to our knowledge. It was not observed in approximately 6,500 individuals of European and African American ancestry in the NHLBI Exome Sequencing Project, indicating it is not a common benign variant in these populations. The L1109V variant is a conservative amino acid substitution, which is not likely to impact secondary protein structure as these residues share similar properties. This substitution occurs at a position that is conserved across species; although, Valine has been observed at this position in evolution. In silico analysis predicts this variant is probably damaging to the protein structure/function and missense mutations in nearby residues have been reported in association with POLG-related disorders, supporting the functional importance of this region of the protein. Based on the currently available information, it is unclear whether this variant is a pathogenic mutation or a rare benign variant. The variant is found in EPILEPSY panel(s).

NM_002693.3(POLG):c.3325T>G (p.Leu1109Val)

Gene: POLG (DNA polymerase gamma, catalytic subunit; minus strand). Cytogenetic location: 15q26.1.
Variant type: single nucleotide variant.
Coding change: c.3325T>G on transcript NM_002693.3 (MANE Select); coding-DNA position 3325, T replaced by G.
Protein change: p.Leu1109Val; replaces leucine 1109 with valine.
Molecular consequence: missense variant.
Genome position (GRCh38, 1-based): chr15:89,318,698, A>C on the plus strand (T>G on the coding strand, the complement: POLG is on the minus strand). VCF-style: chr15-89318698-A-C. GRCh37 (hg19) VCF-style: chr15-89861929-A-C.
Other names: p.L1109V:TTA>GTA; c.3325T>G, p.Leu1109Val (NM_001126131.2); short protein forms L1109V.
Identifiers: ClinVar variation 206614 (VCV000206614.3), dbSNP rs796052912, ClinGen allele CA316867.